The following is an entry in ClinVar:

ClinVar aggregate classification (germline): Uncertain significance. Review status: criteria provided, multiple submitters, no conflicts (2 of 4 stars). 5 submissions from 4 submitters: Uncertain significance (5). Last evaluated 2023-09-20.

Conditions:
Inborn genetic diseases. Identifiers: MedGen C0950123, MeSH D030342.
Achromatopsia. Also called: Rod monochromatism. Identifiers: Orphanet 49382, MedGen C0152200, MONDO:0018852, HP:0011516.
Cone dystrophy 4 (COD4). Identifiers: Orphanet 49382, MedGen C2751308, MONDO:0013129, OMIM 613093.

gnomAD v4.1: 1 of 1,614,200 alleles (0.000062%); no homozygotes.

Submissions (5):

Blueprint Genetics
Classification: Uncertain significance. Last evaluated: 2023-09-20. Review status: criteria provided, single submitter. Criteria: ACMG Guidelines, 2015. Collection method: clinical testing. Allele origin: germline.

Labcorp Genetics (formerly Invitae), Labcorp
Classification: Uncertain significance. Last evaluated: 2022-03-10. Review status: criteria provided, single submitter. Criteria: Invitae Variant Classification Sherloc (09022015). Collection method: clinical testing. Allele origin: germline.
Comment: This sequence change replaces glutamine, which is neutral and polar, with arginine, which is basic and polar, at codon 208 of the PDE6C protein (p.Gln208Arg). This variant is not present in population databases (gnomAD no frequency). This variant has not been reported in the literature in individuals affected with PDE6C-related conditions. ClinVar contains an entry for this variant (Variation ID: 301623). Algorithms developed to predict the effect of missense changes on protein structure and function output the following: SIFT: "Deleterious"; PolyPhen-2: "Benign"; Align-GVGD: "Class C0". The arginine amino acid residue is found in multiple mammalian species, which suggests that this missense change does not adversely affect protein function. In summary, the available evidence is currently insufficient to determine the role of this variant in disease. Therefore, it has been classified as a Variant of Uncertain Significance.

Ambry Genetics
Classification: Uncertain significance for Inborn genetic diseases. Last evaluated: 2021-09-16. Review status: criteria provided, single submitter. Criteria: Ambry Variant Classification Scheme 2023. Collection method: clinical testing. Allele origin: germline.

Illumina Laboratory Services, Illumina
Classification: Uncertain significance for Achromatopsia. Last evaluated: 2018-01-13. Review status: criteria provided, single submitter. Criteria: ICSL Variant Classification Criteria 13 December 2019. Collection method: clinical testing. Allele origin: germline.

Illumina Laboratory Services, Illumina
Classification: Uncertain significance for Cone dystrophy 4. Last evaluated: 2018-01-13. Review status: criteria provided, single submitter. Criteria: ICSL Variant Classification Criteria 13 December 2019. Collection method: clinical testing. Allele origin: germline.

NM_006204.4(PDE6C):c.623A>G (p.Gln208Arg)

Gene: PDE6C (phosphodiesterase 6C; plus strand). Cytogenetic location: 10q23.33.
Variant type: single nucleotide variant.
Coding change: c.623A>G on transcript NM_006204.4 (MANE Select); coding-DNA position 623, A replaced by G.
Protein change: p.Gln208Arg; replaces glutamine 208 with arginine.
Molecular consequence: missense variant.
Genome position (GRCh38, 1-based): chr10:93,620,774, A>G. VCF-style: chr10-93620774-A-G. GRCh37 (hg19) VCF-style: chr10-95380531-A-G.
Other names: short protein forms Q208R.
Identifiers: ClinVar variation 301623 (VCV000301623.11), dbSNP rs886047481, ClinGen allele CA10636906.